The following is an entry in ClinVar:

NM_024675.4(PALB2):c.651T>C (p.Asn217=)

Gene: PALB2 (partner and localizer of BRCA2; minus strand). Cytogenetic location: 16p12.2.
Variant type: single nucleotide variant.
Coding change: c.651T>C on transcript NM_024675.4 (MANE Select); coding-DNA position 651, T replaced by C.
Protein change: p.Asn217=; no amino-acid change (asparagine 217 retained).
Molecular consequence: synonymous variant.
Genome position (GRCh38, 1-based): chr16:23,635,895, A>G on the plus strand (T>C on the coding strand, the complement: PALB2 is on the minus strand). VCF-style: chr16-23635895-A-G. GRCh37 (hg19) VCF-style: chr16-23647216-A-G.
Identifiers: ClinVar variation 486025 (VCV000486025.15), dbSNP rs1555461692, ClinGen allele CA494461933.

ClinVar aggregate classification (germline): Benign/Likely benign. Review status: criteria provided, multiple submitters, no conflicts (2 of 4 stars). 3 submissions from 3 submitters: Benign (1); Likely benign (2). Last evaluated 2025-01-10.

Conditions:
Hereditary cancer-predisposing syndrome. Also called: Tumor predisposition; Hereditary Cancer Syndrome; Hereditary neoplastic syndrome; Neoplastic Syndromes, Hereditary. Identifiers: Orphanet 140162, MedGen C0027672, MeSH D009386, MONDO:0015356.
Familial cancer of breast. Also called: hereditary breast carcinoma; BREAST CANCER, FAMILIAL; Hereditary breast cancer. Identifiers: Orphanet 227535, MedGen C0346153, MONDO:0016419, OMIM 114480. Disease mechanism: loss of function.

Submissions (3):

Myriad Genetics, Inc.
Classification: Benign for Familial cancer of breast. Last evaluated: 2025-01-10. Review status: criteria provided, single submitter. Criteria: Myriad Autosomal Dominant, Autosomal Recessive and X-Linked Classification Criteria (2023). Collection method: clinical testing. Allele origin: unknown.
Comment: This variant is considered benign. This variant is a silent/synonymous amino acid change and it is not expected to impact splicing.

Labcorp Genetics (formerly Invitae), Labcorp
Classification: Likely benign for Familial cancer of breast. Last evaluated: 2022-11-16. Review status: criteria provided, single submitter. Criteria: Invitae Variant Classification Sherloc (09022015). Collection method: clinical testing. Allele origin: germline.

Ambry Genetics
Classification: Likely benign for Hereditary cancer-predisposing syndrome. Last evaluated: 2017-06-30. Review status: criteria provided, single submitter. Criteria: Ambry Variant Classification Scheme 2023. Collection method: clinical testing. Allele origin: germline.